The following is an entry in ClinVar:

ClinVar aggregate classification (germline): Uncertain significance. Review status: criteria provided, multiple submitters, no conflicts (2 of 4 stars). 2 submissions from 2 submitters: Uncertain significance (2). Last evaluated 2023-08-11.

Conditions:
Neonatal-onset encephalopathy with rigidity and seizures. Also called: Lethal neonatal spasticity-epileptic encephalopathy syndrome. Identifiers: Orphanet 435845, MedGen C3281029, MONDO:0013784, OMIM 614498.

Submissions (2):

Blueprint Genetics
Classification: Uncertain significance. Last evaluated: 2023-08-11. Review status: criteria provided, single submitter. Criteria: ACMG Guidelines, 2015. Collection method: clinical testing. Allele origin: germline.

Labcorp Genetics (formerly Invitae), Labcorp
Classification: Uncertain significance for Neonatal-onset encephalopathy with rigidity and seizures. Last evaluated: 2022-10-17. Review status: criteria provided, single submitter. Criteria: Invitae Variant Classification Sherloc (09022015). Collection method: clinical testing. Allele origin: germline.
Comment: This sequence change replaces valine, which is neutral and non-polar, with leucine, which is neutral and non-polar, at codon 244 of the BRAT1 protein (p.Val244Leu). This variant is present in population databases (rs199801652, gnomAD 0.004%). This variant has not been reported in the literature in individuals affected with BRAT1-related conditions. ClinVar contains an entry for this variant (Variation ID: 1522963). Advanced modeling of protein sequence and biophysical properties (such as structural, functional, and spatial information, amino acid conservation, physicochemical variation, residue mobility, and thermodynamic stability) performed at Invitae indicates that this missense variant is not expected to disrupt BRAT1 protein function. In summary, the available evidence is currently insufficient to determine the role of this variant in disease. Therefore, it has been classified as a Variant of Uncertain Significance.

NM_152743.4(BRAT1):c.730G>T (p.Val244Leu)

Gene: BRAT1 (BRCA1 associated ATM activator 1; minus strand). Cytogenetic location: 7p22.3.
Variant type: single nucleotide variant.
Coding change: c.730G>T on transcript NM_152743.4 (MANE Select); coding-DNA position 730, G replaced by T.
Protein change: p.Val244Leu; replaces valine 244 with leucine.
Molecular consequence: missense variant. On other transcripts: non-coding transcript variant (1).
Genome position (GRCh38, 1-based): chr7:2,543,663, C>A on the plus strand (G>T on the coding strand, the complement: BRAT1 is on the minus strand). VCF-style: chr7-2543663-C-A. GRCh37 (hg19) VCF-style: chr7-2583297-C-A.
Other names: c.730G>T, p.Val244Leu (NM_001350626.2); c.205G>T, p.Val69Leu (NM_001350627.2); short protein forms V244L, V69L.
Identifiers: ClinVar variation 1522963 (VCV001522963.6), dbSNP rs199801652, ClinGen allele CA4128113.
Genomic context (GRCh38, chr7:2,543,663, plus strand): 5'-GAAGCAGGTCCACGAACGAGTGTGCGGCGGGGATGGGGTCTCTCTCCAGCAGACAGGCCA[C>A]GCGGGGACTCAGCCGCACCCACAGGGCTTCCGTCCAGGGGCTCTGGCAGCGCCCGAAGGT-3'
Protein context (NP_689956.2, residues 234-254): EALWVRLSPR[Val244Leu]ACLLERDPIP